The following is an entry in ClinVar:

ClinVar aggregate classification (germline): Uncertain significance. Review status: criteria provided, multiple submitters, no conflicts (2 of 4 stars). 2 submissions from 2 submitters: Uncertain significance (2). Last evaluated 2024-08-13.

Conditions:
Familial adenomatous polyposis 2. Also called: MYH-associated polyposis; FAP type 2; MUTYH-associated polyposis; MUTYH-related attenuated familial adenomatous polyposis; COLORECTAL ADENOMATOUS POLYPOSIS, AUTOSOMAL RECESSIVE; ADENOMAS, MULTIPLE COLORECTAL, AUTOSOMAL RECESSIVE. Identifiers: Orphanet 220460, Orphanet 247798, MedGen C3272841, MONDO:0012041, OMIM 608456.

Submissions (2):

Labcorp Genetics (formerly Invitae), Labcorp
Classification: Uncertain significance for Familial adenomatous polyposis 2. Last evaluated: 2024-08-13. Review status: criteria provided, single submitter. Criteria: Invitae Variant Classification Sherloc (09022015). Collection method: clinical testing. Allele origin: germline.
Comment: This sequence change replaces leucine, which is neutral and non-polar, with arginine, which is basic and polar, at codon 436 of the MUTYH protein (p.Leu436Arg). This variant is not present in population databases (gnomAD no frequency). This variant has not been reported in the literature in individuals affected with MUTYH-related conditions. An algorithm developed to predict the effect of missense changes on protein structure and function (PolyPhen-2) suggests that this variant is likely to be tolerated. In summary, the available evidence is currently insufficient to determine the role of this variant in disease. Therefore, it has been classified as a Variant of Uncertain Significance.

All of Us Research Program, National Institutes of Health
Classification: Uncertain significance for Familial adenomatous polyposis 2. Last evaluated: 2024-05-14. Review status: criteria provided, single submitter. Criteria: ACMG Guidelines, 2015. Collection method: clinical testing. Allele origin: germline. Inheritance: Autosomal recessive inheritance. Observed: 2 variant alleles, 2 heterozygotes.
Comment: This missense variant replaces leucine with arginine at codon 436 of the MUTYH protein. Computational prediction is inconclusive regarding the impact of this variant on protein structure and function (internally defined REVEL score threshold 0.5 < inconclusive < 0.7, PMID: 27666373). To our knowledge, functional studies have not been reported for this variant. This variant has not been reported in individuals affected with MUTYH-related disorders in the literature. This variant has not been identified in the general population by the Genome Aggregation Database (gnomAD). The available evidence is insufficient to determine the role of this variant in disease conclusively. Therefore, this variant is classified as a Variant of Uncertain Significance.

This study involves interpretation of variants in research participants for the purpose of population health screening. Participant phenotype was not available at the time of variant classification. Additional details can be found in publication PMID: 35346344, PMCID: PMC8962531

NM_001048174.2(MUTYH):c.1223T>G (p.Leu408Arg)

Gene: MUTYH (mutY DNA glycosylase; minus strand). Cytogenetic location: 1p34.1.
Variant type: single nucleotide variant.
Coding change: c.1223T>G on transcript NM_001048174.2 (MANE Select); coding-DNA position 1223, T replaced by G.
Protein change: p.Leu408Arg; replaces leucine 408 with arginine.
Molecular consequence: missense variant. On other transcripts: non-coding transcript variant (7).
Genome position (GRCh38, 1-based): chr1:45,331,436, A>C on the plus strand (T>G on the coding strand, the complement: MUTYH is on the minus strand). VCF-style: chr1-45331436-A-C. GRCh37 (hg19) VCF-style: chr1-45797108-A-C.
Other names: c.878T>G, p.Leu293Arg (NM_001350650.2, NM_001350651.2, NM_001407082.1); c.1256T>G, p.Leu419Arg (NM_001407069.1, NM_001407077.1, NM_001293191.2); c.1223T>G, p.Leu408Arg (NM_001407070.1, NM_001407072.1, NM_001407073.1 and 6 more transcripts); c.1226T>G, p.Leu409Arg (NM_001407071.1, NM_001407078.1, NM_001048172.2 and 1 more transcripts); c.1139T>G, p.Leu380Arg (NM_001407075.1); c.1307T>G, p.Leu436Arg (NM_001128425.2); c.1268T>G, p.Leu423Arg (NM_001293190.2); c.947T>G, p.Leu316Arg (NM_001293192.2, NM_001293196.2, NM_001407091.1); and 5 more; short protein forms L395R, L409R, L419R, L422R, L380R, L408R, L423R, L316R.
Identifiers: ClinVar variation 2976535 (VCV002976535.4), dbSNP rs1570370748, ClinGen allele CA340132850.